The following is an entry in ClinVar:

NM_001130009.3(GEN1):c.192_193insGTTTA (p.Gln65fs)

Gene: GEN1 (GEN1 structure-specific endonuclease; plus strand). Cytogenetic location: 2p24.2.
Variant type: Insertion.
Coding change: c.192_193insGTTTA on transcript NM_001130009.3 (MANE Select); coding-DNA positions 192 to 193, GTTTA inserted.
Protein change: p.Gln65fs; shifts the reading frame from glutamine 65.
Molecular consequence: frameshift variant.
Genome position: GRCh38 VCF-style: chr2-17761425-C-CAGTTT. GRCh37 (hg19) VCF-style: chr2-17942692-C-CAGTTT.
Other names: c.192_193insGTTTA, p.Gln65fs (NM_182625.5); short protein forms Q65fs.
Identifiers: ClinVar variation 2766634 (VCV002766634.3), dbSNP rs2545547853, ClinGen allele CA2657980177.

ClinVar aggregate classification (germline): Uncertain significance (1 of 4 stars; one submission).

Submission:

Labcorp Genetics (formerly Invitae), Labcorp
Classification: Uncertain significance. Last evaluated: 2023-10-07. Review status: criteria provided, single submitter. Criteria: Invitae Variant Classification Sherloc (09022015). Collection method: clinical testing. Allele origin: germline.
Comment: This sequence change creates a premature translational stop signal (p.Gln65Valfs*6) in the GEN1 gene. It is expected to result in an absent or disrupted protein product. However, the current clinical and genetic evidence is not sufficient to establish whether loss-of-function variants in GEN1 cause disease. This variant is not present in population databases (gnomAD no frequency). This variant has not been reported in the literature in individuals affected with GEN1-related conditions. Algorithms developed to predict the effect of sequence changes on RNA splicing suggest that this variant may disrupt the consensus splice site. In summary, the available evidence is currently insufficient to determine the role of this variant in disease. Therefore, it has been classified as a Variant of Uncertain Significance.